The following is an entry in ClinVar:

ClinVar aggregate classification (germline): Uncertain significance (1 of 4 stars; one submission).

Conditions:
Intellectual disability, autosomal recessive 53 (NEDHSCA). Also called: GLYCOSYLPHOSPHATIDYLINOSITOL BIOSYNTHESIS DEFECT 13; Mental retardation, autosomal recessive 53; NEURODEVELOPMENTAL DISORDER WITH OR WITHOUT HYPOTONIA, SEIZURES, AND CEREBELLAR ATROPHY. Identifiers: Orphanet 488635, MedGen C4310794, MONDO:0014832, OMIM 616917.

Submission:

Kasturba Medical College, Manipal, Kasturba Medical College, Manipal, Manipal Academy of Higher Education, Manipal, India
Classification: Uncertain significance for Intellectual disability, autosomal recessive 53. Review status: criteria provided, single submitter. Criteria: ACMG Guidelines, 2015. Collection method: research. Allele origin: paternal. Affected: yes.
Comment: This variant is observed in heterozygous state in four individuals in the gnomAD (v4.1.0) population database and absent in our in-house data of 3728 exomes. This variant is absent in homozygous state in gnomAD (v4.1.0) and our in-house database. This missense variant in exon 5 has been predicted to cause aberrant splicing (SpliceAI score: 0.73) by in-silico analysis tool such as SpliceAI. This may either cause the transcript to undergo nonsense-mediated mRNA decay or lead to the formation of a truncated protein product.

NM_001127178.3(PIGG):c.857A>G (p.Asn286Ser)

Gene: PIGG (phosphatidylinositol glycan anchor biosynthesis class G (EMM blood group); plus strand). Cytogenetic location: 4p16.3.
Variant type: single nucleotide variant.
Coding change: c.857A>G on transcript NM_001127178.3 (MANE Select); coding-DNA position 857, A replaced by G.
Protein change: p.Asn286Ser; replaces asparagine 286 with serine.
Molecular consequence: missense variant. On other transcripts: 5 prime UTR variant (3), non-coding transcript variant (10), intron variant (1).
Genome position (GRCh38, 1-based): chr4:508,926, A>G. VCF-style: chr4-508926-A-G. GRCh37 (hg19) VCF-style: chr4-502715-A-G.
Other names: c.590A>G, p.Asn197Ser (NM_001289051.2, NM_001289053.2, NM_001289057.2 and 2 more transcripts); c.458A>G, p.Asn153Ser (NM_001289052.2); c.491A>G, p.Asn164Ser (NM_001289055.2); c.857A>G, p.Asn286Ser (NM_001345989.2, NM_017733.5); c.-769A>G (NM_001345990.2); c.-631A>G (NM_001345991.2); c.-356A>G (NM_001345994.2); c.-129+1333A>G (NM_001345988.2); short protein forms N153S, N164S, N197S, N286S.
Identifiers: ClinVar variation 4082187 (VCV004082187.1).